The following is an entry in ClinVar:

NM_000044.6(AR):c.1720G>C (p.Ala574Pro)

Gene: AR (androgen receptor; plus strand). Cytogenetic location: Xq12.
Variant type: single nucleotide variant.
Coding change: c.1720G>C on transcript NM_000044.6 (MANE Select); coding-DNA position 1720, G replaced by C.
Protein change: p.Ala574Pro; replaces alanine 574 with proline.
Molecular consequence: missense variant. On other transcripts: intron variant (1).
Genome position (GRCh38, 1-based): chrX:67,643,359, G>C. VCF-style: chrX-67643359-G-C. GRCh37 (hg19) VCF-style: chrX-66863201-G-C.
Other names: c.124G>C, p.Ala42Pro (NM_001011645.3); c.1720G>C, p.Ala574Pro (NM_001348061.1, NM_001348063.1); c.1617-42582G>C (NM_001348064.1); short protein forms A574P, A42P.
Identifiers: ClinVar variation 381643 (VCV000381643.2), dbSNP rs1057521121, ClinGen allele CA16609204.
Genomic context (GRCh38, chrX:67,643,359, plus strand): 5'-TTTCCACCCCAGAAGACCTGCCTGATCTGTGGAGATGAAGCTTCTGGGTGTCACTATGGA[G>C]CTCTCACATGTGGAAGCTGCAAGGTCTTCTTCAAAAGAGCCGCTGAAGGTAAAGGGTCTT-3'
Protein context (NP_000035.2, residues 564-584): GDEASGCHYG[Ala574Pro]LTCGSCKVFF

ClinVar aggregate classification (germline): Likely pathogenic (1 of 4 stars; one submission).

Submission:

GeneDx
Classification: Likely pathogenic. Last evaluated: 2016-08-23. Review status: criteria provided, single submitter. Criteria: GeneDx Variant Classification (06012015). Collection method: clinical testing. Allele origin: germline. Affected: yes.
Comment: The A574P likely pathogenic variant in the AR gene has been reported previously in association with complete androgen insensitivity syndrome (Audi et al., 2010). The A574P variant was not observed in approximately 6500 individuals of European and African American ancestry in the NHLBI Exome Sequencing Project, indicating it is not a common benign variant in these populations. The A574P variant is a semi-conservative amino acid substitution, which may impact secondary protein structure as these residues differ in some properties.This substitution occurs at a position that is conserved in mammals. In silico analysis predicts this variant is damaging to the protein structure/function. The A574P variant is located within the ligand binding domain. Therefore, this variant is likely pathogenic; however, the possibility that it is benign cannot be excluded.